The following is an entry in ClinVar:

NM_170606.3(KMT2C):c.3275G>A (p.Arg1092Gln)

Gene: KMT2C (lysine methyltransferase 2C; minus strand). Cytogenetic location: 7q36.1.
Variant type: single nucleotide variant.
Coding change: c.3275G>A on transcript NM_170606.3 (MANE Select); coding-DNA position 3275, G replaced by A.
Protein change: p.Arg1092Gln; replaces arginine 1092 with glutamine.
Molecular consequence: missense variant.
Genome position (GRCh38, 1-based): chr7:152,224,063, C>T on the plus strand (G>A on the coding strand, the complement: KMT2C is on the minus strand). VCF-style: chr7-152224063-C-T. GRCh37 (hg19) VCF-style: chr7-151921148-C-T.
Other names: short protein forms R1092Q.
Identifiers: ClinVar variation 134745 (VCV000134745.6), dbSNP rs150747860, ClinGen allele CA160663.
Genomic context (GRCh38, chr7:152,224,063, plus strand): 5'-ATAGCACAATACCTATCACATTGTCTACATTGCAGAATAAGATCTTCTTCTCTATAGTTT[C>T]GATAGCAGACTGGACAGGAAGATAAGCTTGCACAAGGAGCGCACTGTGTGTAATTGTTCT-3'
Protein context (NP_733751.2, residues 1082-1102): ASLSSCPVCY[Arg1092Gln]NYREEDLILQ

ClinVar aggregate classification (germline): Uncertain significance. Review status: criteria provided, single submitter (1 of 4 stars). 2 submissions from 2 submitters: Uncertain significance (1). 1 of the submissions does not count toward it. Last evaluated 2024-11-27.

Allele frequency attached by ClinVar (database versions not stated): gnomAD exomes 0.00002 and 0.00005; ExAC 0.00004; gnomAD 0.00011 and 0.00013; ESP Exome Variant Server 0.00015; 1000 Genomes Project 30x 0.00016; TOPMed 0.00016; 1000 Genomes Project 0.00020.
gnomAD v4.1: 53 of 1,611,028 alleles (0.0033%); highest among the groups gnomAD compares: Middle Eastern, 0.09%; 1 homozygote.

Submissions (2):

Labcorp Genetics (formerly Invitae), Labcorp
Classification: Uncertain significance. Last evaluated: 2024-11-27. Review status: criteria provided, single submitter. Criteria: Invitae Variant Classification Sherloc (09022015). Collection method: clinical testing. Allele origin: germline.
Comment: This sequence change replaces arginine, which is basic and polar, with glutamine, which is neutral and polar, at codon 1092 of the KMT2C protein (p.Arg1092Gln). This variant is present in population databases (rs150747860, gnomAD 0.03%). This variant has not been reported in the literature in individuals affected with KMT2C-related conditions. ClinVar contains an entry for this variant (Variation ID: 134745). Invitae Evidence Modeling of protein sequence and biophysical properties (such as structural, functional, and spatial information, amino acid conservation, physicochemical variation, residue mobility, and thermodynamic stability) indicates that this missense variant is not expected to disrupt KMT2C protein function with a negative predictive value of 80%. In summary, the available evidence is currently insufficient to determine the role of this variant in disease. Therefore, it has been classified as a Variant of Uncertain Significance.

ITMI
No classification provided. Condition: AllHighlyPenetrant. Last evaluated: 2013-09-19. Review status: no classification provided. Collection method: reference population. Allele origin: germline. Not counted in ClinVar's aggregate classification.
Comment: Please see associated publication for description of ethnicities

Literature cited by the submitters: PubMed 24728327 (cited by ITMI).